The following is an entry in ClinVar:

ClinVar aggregate classification (germline): Likely pathogenic (1 of 4 stars; one submission).

Conditions:
Intellectual developmental disorder with impaired language and dysmorphic facies. Identifiers: MedGen C5231444, MONDO:0032851, OMIM 618653.

Submission:

Victorian Clinical Genetics Services, Murdoch Childrens Research Institute
Classification: Likely pathogenic for Intellectual developmental disorder with impaired language and dysmorphic facies. Last evaluated: 2024-10-09. Review status: criteria provided, single submitter. Criteria: ACMG Guidelines, 2015. Collection method: clinical testing. Allele origin: germline. Inheritance: Autosomal dominant inheritance. Affected: yes.
Comment: Based on the classification scheme VCGS_Germline_v1.3.4, this variant is classified as Likely pathogenic. Following criteria are met: 0105 - The mechanism of disease for this gene is not clearly established. Dominant-negative has been suggested as a likely disease mechanism (PMID: 31422817). (I) 0107 - This gene is associated with autosomal dominant disease. (I) 0200 - Variant is predicted to result in a missense amino acid change from threonine to isoleucine. (I) 0251 - This variant is heterozygous. (I) 0301 - Variant is absent from gnomAD (both v2 and v3). (SP) 0502 - Missense variant with conflicting in silico predictions and very high conservation. (I) 0603 - Missense variant in a region that is highly intolerant to missense variation (high constraint region in DECIPHER). (SP) 0705 - No comparable missense variants have previous evidence for pathogenicity. (I) 0807 - This variant has no previous evidence of pathogenicity. (I) 0905 - No published segregation evidence has been identified for this variant. (I) 1007 - No published functional evidence has been identified for this variant. (SP) Legend: (SP) - Supporting pathogenic, (I) - Information, (SB) - Supporting benign

Literature cited by the submitters: PubMed 31422817.

NM_004397.6(DDX6):c.665C>T (p.Thr222Ile)

Gene: DDX6 (DEAD-box helicase 6; minus strand). Cytogenetic location: 11q23.3.
Variant type: single nucleotide variant.
Coding change: c.665C>T on transcript NM_004397.6 (MANE Select); coding-DNA position 665, C replaced by T.
Protein change: p.Thr222Ile; replaces threonine 222 with isoleucine.
Molecular consequence: missense variant.
Genome position (GRCh38, 1-based): chr11:118,763,288, G>A on the plus strand (C>T on the coding strand, the complement: DDX6 is on the minus strand). VCF-style: chr11-118763288-G-A. GRCh37 (hg19) VCF-style: chr11-118633997-G-A.
Other names: c.665C>T, p.Thr222Ile (NM_001257191.3, NM_001425145.1, NM_001425146.1 and 2 more transcripts); c.662C>T, p.Thr221Ile (NM_001425147.1, NM_001425148.1); c.518C>T, p.Thr173Ile (NM_001425151.1, NM_001425152.1, NM_001425153.1); c.341C>T, p.Thr114Ile (NM_001425154.1); short protein forms T114I, T173I, T221I, T222I.
Identifiers: ClinVar variation 3377226 (VCV003377226.1).